The following is an entry in ClinVar:

NM_003919.3(SGCE):c.391-3T>C

Genes: CASD1 (CAS1 domain sialic acid O acetyltransferase 1; plus strand), SGCE (sarcoglycan epsilon; minus strand). Cytogenetic location: 7q21.3.
Variant type: single nucleotide variant.
Coding change: c.391-3T>C on transcript NM_003919.3 (MANE Select); 3 bases into the intron before coding-DNA position 391, T replaced by C.
Molecular consequence: intron variant.
Genome position (GRCh38, 1-based): chr7:94,623,400, A>G on the plus strand (T>C on the coding strand, the complement: SGCE is on the minus strand). VCF-style: chr7-94623400-A-G. GRCh37 (hg19) VCF-style: chr7-94252712-A-G.
Other names: c.268-3T>C (NM_001362809.2, NM_001301139.2); c.391-3T>C (NM_001346717.2, NM_001099400.2, NM_001099401.2); c.499-3T>C (NM_001346715.2, NM_001346713.2); c.304-3T>C (NM_001362807.2, NM_001346719.2); c.118-3T>C (NM_001362808.2, NM_001346720.2).
Identifiers: ClinVar variation 197225 (VCV000197225.23), dbSNP rs17166384, ClinGen allele CA202758.

ClinVar aggregate classification (germline): Benign/Likely benign. Review status: criteria provided, multiple submitters, no conflicts (2 of 4 stars). 7 submissions from 7 submitters: Benign (5); Likely benign (2). Last evaluated 2026-02-03.

Conditions:
Myoclonic dystonia 11 (DYT11). Also called: Myoclonic dystonia; Dystonia 11; Dystonia, alcohol responsive; Hereditary essential myoclonus; SGCE Myoclonus-Dystonia; Myoclonus-Dystonia. Identifiers: Orphanet 36899, MedGen C1834570, MONDO:0008044, OMIM 159900.

Allele frequency attached by ClinVar (database versions not stated): gnomAD exomes 0.00746 and 0.02002; ExAC 0.02647; gnomAD 0.07675 and 0.08209; 1000 Genomes Project 0.08446; TOPMed 0.08559; ESP Exome Variant Server 0.08795; 1000 Genomes Project 30x 0.09291.
gnomAD v4.1: 22,735 of 1,582,944 alleles (1.4%); highest among the groups gnomAD compares: African/African-American, 26%; 2,719 homozygotes.

Submissions (7):

Labcorp Genetics (formerly Invitae), Labcorp
Classification: Benign for Myoclonic dystonia 11. Last evaluated: 2026-02-03. Review status: criteria provided, single submitter. Criteria: Invitae Variant Classification Sherloc (09022015). Collection method: clinical testing. Allele origin: germline.

Athena Diagnostics
Classification: Benign. Last evaluated: 2019-01-18. Review status: criteria provided, single submitter. Criteria: Athena Diagnostics Criteria. Collection method: clinical testing. Allele origin: germline.

GeneDx
Classification: Benign. Last evaluated: 2018-07-05. Review status: criteria provided, single submitter. Criteria: GeneDx Variant Classification Process June 2021. Collection method: clinical testing. Allele origin: germline. Affected: yes.
Comment: This variant is associated with the following publications: (PMID: 30849405, 27884173, 15728306)

Illumina Laboratory Services, Illumina
Classification: Benign for Myoclonic dystonia 11. Last evaluated: 2017-04-27. Review status: criteria provided, single submitter. Criteria: ICSL Variant Classification Criteria 13 December 2019. Collection method: clinical testing. Allele origin: germline.
Comment: This variant was observed as part of a predisposition screen in an ostensibly healthy population. A literature search was performed for the gene, cDNA change, and amino acid change (where applicable). Publications were found based on this search. The evidence from the literature, in combination with allele frequency data from public databases where available, was sufficient to rule this variant out of causing disease. Therefore, this variant is classified as benign.

Eurofins Ntd Llc (ga)
Classification: Benign. Last evaluated: 2014-09-08. Review status: criteria provided, single submitter. Criteria: EGL Classification Definitions 2015. Collection method: clinical testing. Allele origin: germline. Observed: 3 variant alleles, 2 heterozygotes, 1 homozygote.

Breakthrough Genomics
Classification: Likely benign. Review status: criteria provided, single submitter. Criteria: ACMG Guidelines, 2015. Collection method: not provided. Allele origin: germline. Inheritance: Autosomal dominant inheritance. Affected: yes.

PreventionGenetics, part of Exact Sciences
Classification: Likely benign. Review status: criteria provided, single submitter. Criteria: ACMG Guidelines, 2015. Collection method: clinical testing. Allele origin: germline.

Literature cited by the submitters: PubMed 15728306 (cited by Athena Diagnostics and Illumina Laboratory Services, Illumina); PubMed 18349702 (cited by Athena Diagnostics); PubMed 18362280 (cited by Athena Diagnostics); PubMed 2367709 (cited by Illumina Laboratory Services, Illumina).